The following is an entry in ClinVar:

NM_001009944.3(PKD1):c.7439_7440insT (p.Leu2481fs)

Gene: PKD1 (polycystin 1, transient receptor potential channel interacting; minus strand). Cytogenetic location: 16p13.3.
Variant type: Insertion.
Coding change: c.7439_7440insT on transcript NM_001009944.3 (MANE Select); coding-DNA positions 7439 to 7440, T inserted.
Protein change: p.Leu2481fs; shifts the reading frame from leucine 2481.
Molecular consequence: frameshift variant.
Genome position: GRCh38 VCF-style: chr16-2106447-T-TA. GRCh37 (hg19) VCF-style: chr16-2156448-T-TA.
Other names: c.7439_7440insT, p.Leu2481fs (NM_000296.4); short protein forms L2481fs.
Identifiers: ClinVar variation 4854430 (VCV004854430.1).

ClinVar aggregate classification (germline): Likely pathogenic (1 of 4 stars; one submission).

Conditions:
Polycystic kidney disease, adult type (PKD1). Also called: Polycystic Kidney, Autosomal Dominant; POLYCYSTIC KIDNEY DISEASE, ADULT, TYPE I; Polycystic Kidney Disease 1, Autosomal Dominant; Polycystic kidney disease 1; Polycystic kidney disease 1, severe; POLYCYSTIC KIDNEY DISEASE 1 WITH OR WITHOUT POLYCYSTIC LIVER DISEASE. Identifiers: MedGen C3149841, MONDO:0008263, OMIM 173900.

Submission:

3billion
Classification: Likely pathogenic for Polycystic kidney disease, adult type. Last evaluated: 2025-07-30. Review status: criteria provided, single submitter. Criteria: ACMG Guidelines, 2015. Collection method: clinical testing. Allele origin: germline. Affected: yes.
Comment: The variant is not observed in the gnomAD v4.1.0 dataset. Predicted Consequence/Location: Frameshift: predicted to result in a loss or disruption of normal protein function through nonsense-mediated decay (NMD) or protein truncation. Multiple pathogenic variants are reported downstream of the variant. Therefore, this variant is classified as Likely pathogenic according to the recommendation of ACMG/AMP guideline.